The following is an entry in ClinVar:

ClinVar aggregate classification (germline): Pathogenic/Likely pathogenic. Review status: criteria provided, multiple submitters, no conflicts (2 of 4 stars). 3 submissions from 3 submitters: Pathogenic (1); Likely pathogenic (1). 1 of the submissions does not count toward it. Last evaluated 2024-11-05.

Conditions:
Deficiency of alpha-mannosidase (MANSA). Also called: LYSOSOMAL ALPHA-D-MANNOSIDASE DEFICIENCY; Mannosidosis, alpha-, types I and II; Alpha-Mannosidosis. Identifiers: Orphanet 61, MedGen C0024748, MONDO:0009561, OMIM 248500.

Allele frequency attached by ClinVar (database versions not stated): TOPMed below 0.00001; ExAC 0.00005; gnomAD exomes 0.00006 and 0.00008; gnomAD 0.00009.
gnomAD v4.1: 46 of 1,612,614 alleles (0.0029%); no homozygotes.

Submissions (3):

Labcorp Genetics (formerly Invitae), Labcorp
Classification: Pathogenic for Deficiency of alpha-mannosidase. Last evaluated: 2024-11-05. Review status: criteria provided, single submitter. Criteria: Invitae Variant Classification Sherloc (09022015). Collection method: clinical testing. Allele origin: germline.
Comment: This sequence change creates a premature translational stop signal (p.Gln767*) in the MAN2B1 gene. It is expected to result in an absent or disrupted protein product. Loss-of-function variants in MAN2B1 are known to be pathogenic (PMID: 9915946, 22161967). This variant is present in population databases (rs779769525, gnomAD 0.08%). This premature translational stop signal has been observed in individuals with autosomal recessive mannosidosis (PMID: 22161967). ClinVar contains an entry for this variant (Variation ID: 551140). Algorithms developed to predict the effect of sequence changes on RNA splicing suggest that this variant may disrupt the consensus splice site. For these reasons, this variant has been classified as Pathogenic.

Genome-Nilou Lab
Classification: Likely pathogenic for Deficiency of alpha-mannosidase. Last evaluated: 2021-09-05. Review status: criteria provided, single submitter. Criteria: ACMG Guidelines, 2015. Collection method: clinical testing. Allele origin: germline. Affected: no.

Counsyl
Classification: Pathogenic for Deficiency of alpha-mannosidase. Last evaluated: 2017-03-16. Review status: no assertion criteria provided. Collection method: clinical testing. Allele origin: unknown. Not counted in ClinVar's aggregate classification.

Literature cited by the submitters: PubMed 9915946 (cited by Labcorp Genetics (formerly Invitae), Labcorp); PubMed 22161967 (cited by Labcorp Genetics (formerly Invitae), Labcorp and Counsyl).

NM_000528.4(MAN2B1):c.2299C>T (p.Gln767Ter)

Gene: MAN2B1 (mannosidase alpha class 2B member 1; minus strand). Cytogenetic location: 19p13.13.
Variant type: single nucleotide variant.
Coding change: c.2299C>T on transcript NM_000528.4 (MANE Select); coding-DNA position 2299, C replaced by T.
Protein change: p.Gln767Ter; replaces glutamine 767 with a stop codon.
Molecular consequence: nonsense.
Genome position (GRCh38, 1-based): chr19:12,649,397, G>A on the plus strand (C>T on the coding strand, the complement: MAN2B1 is on the minus strand). VCF-style: chr19-12649397-G-A. GRCh37 (hg19) VCF-style: chr19-12760211-G-A.
Other names: c.2296C>T, p.Gln766Ter (NM_001173498.2); short protein forms Q767*, Q766*.
Identifiers: ClinVar variation 551140 (VCV000551140.7), dbSNP rs779769525, ClinGen allele CA9226086.
Genomic context (GRCh38, chr19:12,649,397, plus strand): 5'-CTACCGTGATGTAAATCCGGGTGTTGACTGGATAGTAGTTTCCTGCCACGGGCTCCGTCT[G>A]GTTCAGTTTCCAGGTGGGTCGATAATCCCGCCTGGGGTTGGGGGTGAGCTGATCAGGCTT-3'